The following is an entry in ClinVar:

NM_001290043.2(TAP2):c.1272+1G>A

Gene: TAP2 (transporter 2, ATP binding cassette subfamily B member; minus strand). Cytogenetic location: 6p21.32.
Variant type: single nucleotide variant.
Coding change: c.1272+1G>A on transcript NM_001290043.2 (MANE Select); the canonical splice donor site of the intron after coding-DNA position 1272, G replaced by A.
Molecular consequence: splice donor variant.
Genome position (GRCh38, 1-based): chr6:32,832,332, C>T on the plus strand (G>A on the coding strand, the complement: TAP2 is on the minus strand). VCF-style: chr6-32832332-C-T. GRCh37 (hg19) VCF-style: chr6-32800109-C-T.
Other names: c.1272+1G>A (NM_000544.3, NM_018833.3).
Identifiers: ClinVar variation 534707 (VCV000534707.7), dbSNP rs1222208628, ClinGen allele CA363582504.

ClinVar aggregate classification (germline): Likely pathogenic (1 of 4 stars; one submission).

Conditions:
MHC class I deficiency. Identifiers: Orphanet 34592, MedGen C6024714, MONDO:0011476.

Allele frequency attached by ClinVar (database versions not stated): gnomAD exomes below 0.00001; TOPMed below 0.00001; gnomAD 0.00001.
gnomAD v4.1: 2 of 1,612,912 alleles (0.00012%); highest among the groups gnomAD compares: Non-Finnish European, 0.00017%; no homozygotes.

Submission:

Labcorp Genetics (formerly Invitae), Labcorp
Classification: Likely pathogenic for MHC class I deficiency 1. Last evaluated: 2017-12-24. Review status: criteria provided, single submitter. Criteria: Invitae Variant Classification Sherloc (09022015). Collection method: clinical testing. Allele origin: germline.
Comment: Donor and acceptor splice site variants typically lead to a loss of protein function (PMID: 16199547), and loss-of-function variants in TAP2 are known to be pathogenic (PMID: 7517574, 11529920, 12067308, 23662797). This variant has not been reported in the literature in individuals with TAP2-related disease. This variant is not present in population databases (ExAC no frequency). This sequence change affects a donor splice site in intron 7 of the TAP2 gene. It is expected to disrupt RNA splicing and likely results in an absent or disrupted protein product. In summary, the currently available evidence indicates that the variant is pathogenic, but additional data are needed to prove that conclusively. Therefore, this variant has been classified as Likely Pathogenic.

Literature cited by the submitters: PubMed 16199547; PubMed 7517574; PubMed 11529920; PubMed 12067308; PubMed 23662797.